The following is an entry in ClinVar:

NM_000094.4(COL7A1):c.2555A>T (p.Glu852Val)

Gene: COL7A1 (collagen type VII alpha 1 chain; minus strand). Cytogenetic location: 3p21.31.
Variant type: single nucleotide variant.
Coding change: c.2555A>T on transcript NM_000094.4 (MANE Select); coding-DNA position 2555, A replaced by T.
Protein change: p.Glu852Val; replaces glutamic acid 852 with valine.
Molecular consequence: missense variant.
Genome position (GRCh38, 1-based): chr3:48,588,674, T>A on the plus strand (A>T on the coding strand, the complement: COL7A1 is on the minus strand). VCF-style: chr3-48588674-T-A. GRCh37 (hg19) VCF-style: chr3-48626107-T-A.
Other names: short protein forms E852V.
Identifiers: ClinVar variation 2079391 (VCV002079391.2), dbSNP rs1420519653, ClinGen allele CA352718681.
Genomic context (GRCh38, chr3:48,588,674, plus strand): 5'-GAAGCTCTCCAGCGCATGCTCTGCCTACGCGTAGTGACAACAATGGAGACAGGTGTGCCC[T>A]CGCGGTCCCCGACAAGTGCAGTCACTCGCACTGAGTAGCTGACTCCACCTTCGAGACCCC-3'
Protein context (NP_000085.1, residues 842-862): VRVTALVGDR[Glu852Val]GTPVSIVVTT

ClinVar aggregate classification (germline): Uncertain significance (1 of 4 stars; one submission).

Allele frequency attached by ClinVar (database versions not stated): gnomAD 0.00001; TOPMed 0.00003.
gnomAD v4.1: 3 of 1,613,726 alleles (0.00019%); highest among the groups gnomAD compares: African/African-American, 0.004%; no homozygotes.

Submission:

Labcorp Genetics (formerly Invitae), Labcorp
Classification: Uncertain significance. Last evaluated: 2025-03-04. Review status: criteria provided, single submitter. Criteria: Invitae Variant Classification Sherloc (09022015). Collection method: clinical testing. Allele origin: germline.
Comment: This sequence change replaces glutamic acid, which is acidic and polar, with valine, which is neutral and non-polar, at codon 852 of the COL7A1 protein (p.Glu852Val). This variant is not present in population databases (gnomAD no frequency). This variant has not been reported in the literature in individuals affected with COL7A1-related conditions. ClinVar contains an entry for this variant (Variation ID: 2079391). Invitae Evidence Modeling of protein sequence and biophysical properties (such as structural, functional, and spatial information, amino acid conservation, physicochemical variation, residue mobility, and thermodynamic stability) indicates that this missense variant is not expected to disrupt COL7A1 protein function with a negative predictive value of 95%. In summary, the available evidence is currently insufficient to determine the role of this variant in disease. Therefore, it has been classified as a Variant of Uncertain Significance.